The following is an entry in ClinVar:

ClinVar aggregate classification (germline): Uncertain significance. Review status: criteria provided, multiple submitters, no conflicts (2 of 4 stars). 2 submissions from 2 submitters: Uncertain significance (2). Last evaluated 2025-08-07.

Conditions:
Hereditary cancer-predisposing syndrome. Also called: Neoplastic Syndromes, Hereditary; Tumor predisposition; Hereditary neoplastic syndrome; Hereditary Cancer Syndrome. Identifiers: Orphanet 140162, MedGen C0027672, MeSH D009386, MONDO:0015356.
Neuroblastoma, susceptibility to, 3. Also called: ALK-Related Neuroblastic Tumor Susceptibility. Identifiers: Orphanet 635, MedGen C2751681, MONDO:0013083, OMIM 613014.

Allele frequency attached by ClinVar (database versions not stated): ESP Exome Variant Server 0.00008.

Submissions (2):

Labcorp Genetics (formerly Invitae), Labcorp
Classification: Uncertain significance for Neuroblastoma, susceptibility to, 3. Last evaluated: 2025-08-07. Review status: criteria provided, single submitter. Criteria: Invitae Variant Classification Sherloc (09022015). Collection method: clinical testing. Allele origin: germline.
Comment: This sequence change replaces glutamine, which is neutral and polar, with histidine, which is basic and polar, at codon 1070 of the ALK protein (p.Gln1070His). This variant is not present in population databases (gnomAD no frequency). This variant has not been reported in the literature in individuals affected with ALK-related conditions. ClinVar contains an entry for this variant (Variation ID: 2198005). An algorithm developed to predict the effect of missense changes on protein structure and function (PolyPhen-2) suggests that this variant is likely to be disruptive. In summary, the available evidence is currently insufficient to determine the role of this variant in disease. Therefore, it has been classified as a Variant of Uncertain Significance.

Ambry Genetics
Classification: Uncertain significance for Hereditary cancer-predisposing syndrome. Last evaluated: 2025-05-12. Review status: criteria provided, single submitter. Criteria: Ambry Variant Classification Scheme 2023. Collection method: clinical testing. Allele origin: germline.
Comment: The p.Q1070H variant (also known as c.3210G>C), located in coding exon 20 of the ALK gene, results from a G to C substitution at nucleotide position 3210. The glutamine at codon 1070 is replaced by histidine, an amino acid with highly similar properties. This amino acid position is well conserved in available vertebrate species. In addition, this alteration is predicted to be tolerated by in silico analysis. Based on the available evidence, the clinical significance of this variant remains unclear.

NM_004304.5(ALK):c.3210G>C (p.Gln1070His)

Gene: ALK (ALK receptor tyrosine kinase; minus strand). Cytogenetic location: 2p23.2.
Variant type: single nucleotide variant.
Coding change: c.3210G>C on transcript NM_004304.5 (MANE Select); coding-DNA position 3210, G replaced by C.
Protein change: p.Gln1070His; replaces glutamine 1070 with histidine.
Molecular consequence: missense variant.
Genome position (GRCh38, 1-based): chr2:29,223,491, C>G on the plus strand (G>C on the coding strand, the complement: ALK is on the minus strand). VCF-style: chr2-29223491-C-G. GRCh37 (hg19) VCF-style: chr2-29446357-C-G.
Other names: c.6G>C, p.Gln2His (NM_001353765.2); c.3210G>C (NM_004304.4); short protein forms Q2H, Q1070H.
Identifiers: ClinVar variation 2198005 (VCV002198005.5), dbSNP rs138178848, ClinGen allele CA1594037.
Genomic context (GRCh38, chr2:29,223,491, plus strand): 5'-GGTCATGATGGTCGAGGTGCGGAGCTTGCTCAGCTTGTACTCAGGGCTCTGCAGCTCCAT[C>G]TGCATGGCTTGCAGCTCCTGGTGCTTCCGGCGGTACACTGCAGGTGGGTGGTCAGCTGCA-3'
Protein context (NP_004295.2, residues 1060-1080): RRKHQELQAM[Gln1070His]MELQSPEYKL